The following is an entry in ClinVar:

ClinVar aggregate classification (germline): Uncertain significance. Review status: criteria provided, multiple submitters, no conflicts (2 of 4 stars). 2 submissions from 2 submitters: Uncertain significance (2). Last evaluated 2025-02-03.

Allele frequency attached by ClinVar (database versions not stated): gnomAD exomes below 0.00001; gnomAD 0.00001; TOPMed 0.00002.
gnomAD v4.1: 6 of 1,441,222 alleles (0.00042%); highest among the groups gnomAD compares: African/African-American, 0.003%; no homozygotes.

Submissions (2):

Labcorp Genetics (formerly Invitae), Labcorp
Classification: Uncertain significance. Last evaluated: 2025-02-03. Review status: criteria provided, single submitter. Criteria: Invitae Variant Classification Sherloc (09022015). Collection method: clinical testing. Allele origin: germline.
Comment: This sequence change replaces arginine, which is basic and polar, with tryptophan, which is neutral and slightly polar, at codon 908 of the ARHGEF18 protein (p.Arg908Trp). This variant is present in population databases (no rsID available, gnomAD 0.01%). This variant has not been reported in the literature in individuals affected with ARHGEF18-related conditions. ClinVar contains an entry for this variant (Variation ID: 1489692). An algorithm developed to predict the effect of missense changes on protein structure and function (PolyPhen-2) suggests that this variant is likely to be disruptive. In summary, the available evidence is currently insufficient to determine the role of this variant in disease. Therefore, it has been classified as a Variant of Uncertain Significance.

Blueprint Genetics
Classification: Uncertain significance. Last evaluated: 2021-09-26. Review status: criteria provided, single submitter. Criteria: ACMG Guidelines, 2015. Collection method: clinical testing. Allele origin: germline.

NM_001367823.1(ARHGEF18):c.3286C>T (p.Arg1096Trp)

Gene: ARHGEF18 (Rho/Rac guanine nucleotide exchange factor 18; plus strand). Cytogenetic location: 19p13.2.
Variant type: single nucleotide variant.
Coding change: c.3286C>T on transcript NM_001367823.1 (MANE Select); coding-DNA position 3286, C replaced by T.
Protein change: p.Arg1096Trp; replaces arginine 1096 with tryptophan.
Molecular consequence: missense variant.
Genome position (GRCh38, 1-based): chr19:7,467,490, C>T. VCF-style: chr19-7467490-C-T. GRCh37 (hg19) VCF-style: chr19-7532376-C-T.
Other names: c.2560C>T, p.Arg854Trp (NM_001130955.2); c.2248C>T, p.Arg750Trp (NM_001367824.1, NM_015318.4); short protein forms R750W, R854W, R1096W.
Identifiers: ClinVar variation 1489692 (VCV001489692.9), dbSNP rs1321342123, ClinGen allele CA403088785.